The following is an entry in ClinVar:

NM_133261.3(GIPC3):c.*713T>C

Gene: GIPC3 (GIPC PDZ domain containing family member 3; plus strand). Cytogenetic location: 19p13.3.
Variant type: single nucleotide variant.
Coding change: c.*713T>C on transcript NM_133261.3 (MANE Select); 713 bases downstream of the stop codon, T replaced by C.
Molecular consequence: 3 prime UTR variant. On other transcripts: synonymous variant (1).
Genome position (GRCh38, 1-based): chr19:3,590,903, T>C. VCF-style: chr19-3590903-T-C. GRCh37 (hg19) VCF-style: chr19-3590901-T-C.
Other names: c.1665T>C, p.Ser555= (NM_001411144.1).
Identifiers: ClinVar variation 4534273 (VCV004534273.6).
Genomic context (GRCh38, chr19:3,590,903, plus strand): 5'-CAGCTCTAGAACTCAGATGGGCTCCGAGACCAAGCCCAGCTCTAGAACCCAGATGAGCTC[T>C]GAGACCATGCCCAGCTCTAGAACTCAGATGAGCTCTGAGACAGAGCCCAGTATTGAGACC-3'

ClinVar aggregate classification (germline): Likely benign (1 of 4 stars; one submission).

Submission:

CeGaT Center for Human Genetics Tuebingen
Classification: Likely benign. Last evaluated: 2026-04-01. Review status: criteria provided, single submitter. Criteria: CeGaT Center For Human Genetics Tuebingen Variant Classification Criteria Version 2. Collection method: clinical testing. Allele origin: germline. Affected: yes. Observed: 2 variant alleles.
Comment: GIPC3: BP4, BP7